The following is an entry in ClinVar:

ClinVar aggregate classification (germline): Uncertain significance (1 of 4 stars; one submission).

Conditions:
Intellectual developmental disorder, autosomal dominant 1. Also called: MBD5 Haploinsufficiency; Intellectual disability, autosomal dominant 1. Identifiers: Orphanet 228402, MedGen C1969562, MONDO:0007974, OMIM 156200.

Submission:

Labcorp Genetics (formerly Invitae), Labcorp
Classification: Uncertain significance for Intellectual developmental disorder, autosomal dominant 1. Last evaluated: 2025-09-23. Review status: criteria provided, single submitter. Criteria: Invitae Variant Classification Sherloc (09022015). Collection method: clinical testing. Allele origin: germline.
Comment: This sequence change replaces histidine, which is basic and polar, with tyrosine, which is neutral and polar, at codon 469 of the MBD5 protein (p.His469Tyr). This variant is not present in population databases (gnomAD no frequency). This variant has not been reported in the literature in individuals affected with MBD5-related conditions. Invitae Evidence Modeling of protein sequence and biophysical properties (such as structural, functional, and spatial information, amino acid conservation, physicochemical variation, residue mobility, and thermodynamic stability) indicates that this missense variant is not expected to disrupt MBD5 protein function with a negative predictive value of 80%. In summary, the available evidence is currently insufficient to determine the role of this variant in disease. Therefore, it has been classified as a Variant of Uncertain Significance.

NM_001378120.1(MBD5):c.1405C>T (p.His469Tyr)

Gene: MBD5 (methyl-CpG binding domain protein 5; plus strand). Cytogenetic location: 2q23.1.
Variant type: single nucleotide variant.
Coding change: c.1405C>T on transcript NM_001378120.1 (MANE Select); coding-DNA position 1405, C replaced by T.
Protein change: p.His469Tyr; replaces histidine 469 with tyrosine.
Molecular consequence: missense variant.
Genome position (GRCh38, 1-based): chr2:148,469,348, C>T. VCF-style: chr2-148469348-C-T. GRCh37 (hg19) VCF-style: chr2-149226917-C-T.
Other names: c.1405C>T, p.His469Tyr (NM_018328.5); short protein forms H469Y.
Identifiers: ClinVar variation 4698698 (VCV004698698.1), dbSNP rs145369621.